The following is an entry in ClinVar:

ClinVar aggregate classification (germline): Uncertain significance. Review status: criteria provided, multiple submitters, no conflicts (2 of 4 stars). 4 submissions from 4 submitters: Uncertain significance (4). Last evaluated 2026-02-17.

Allele frequency attached by ClinVar (database versions not stated): ESP Exome Variant Server 0.00008; 1000 Genomes Project 30x 0.00016; 1000 Genomes Project 0.00020.
gnomAD v4.1: 301 of 1,612,458 alleles (0.019%); highest among the groups gnomAD compares: Non-Finnish European, 0.023%; no homozygotes.

Submissions (4):

Women's Health and Genetics/Laboratory Corporation of America, LabCorp
Classification: Uncertain significance. Last evaluated: 2026-02-17. Review status: criteria provided, single submitter. Criteria: LabCorp Variant Classification Summary - May 2015. Collection method: clinical testing. Allele origin: germline.
Comment: Variant summary: SBF1 c.1031A>C (p.Glu344Ala) results in a non-conservative amino acid change in the encoded protein sequence. Algorithms developed to predict the effect of missense changes on protein structure and function are either unavailable or do not agree on the potential impact of this missense change. The variant allele was found at a frequency of 0.00014 in 245334 control chromosomes. This frequency is not significantly higher than estimated for disease-causing variants in SBF1, allowing no conclusion about variant significance. To our knowledge, no occurrence of c.1031A>C in individuals affected with SBF1-related conditions and no experimental evidence demonstrating its impact on protein function have been reported. ClinVar contains an entry for this variant (Variation ID: 1387309). Based on the evidence outlined above, the variant was classified as uncertain significance.

GeneDx
Classification: Uncertain significance. Last evaluated: 2024-09-10. Review status: criteria provided, single submitter. Criteria: GeneDx Variant Classification Process June 2021. Collection method: clinical testing. Allele origin: germline. Affected: yes.
Comment: In silico analysis indicates that this missense variant does not alter protein structure/function; Has not been previously published as pathogenic or benign to our knowledge

Ambry Genetics
Classification: Uncertain significance. Last evaluated: 2024-08-05. Review status: criteria provided, single submitter. Criteria: Ambry Variant Classification Scheme 2023. Collection method: clinical testing. Allele origin: germline.

Labcorp Genetics (formerly Invitae), Labcorp
Classification: Uncertain significance. Last evaluated: 2022-08-08. Review status: criteria provided, single submitter. Criteria: Invitae Variant Classification Sherloc (09022015). Collection method: clinical testing. Allele origin: germline.
Comment: This sequence change replaces glutamic acid, which is acidic and polar, with alanine, which is neutral and non-polar, at codon 344 of the SBF1 protein (p.Glu344Ala). This variant is present in population databases (rs368521040, gnomAD 0.02%). This variant has not been reported in the literature in individuals affected with SBF1-related conditions. ClinVar contains an entry for this variant (Variation ID: 1387309). Algorithms developed to predict the effect of missense changes on protein structure and function (SIFT, PolyPhen-2, Align-GVGD) all suggest that this variant is likely to be tolerated. In summary, the available evidence is currently insufficient to determine the role of this variant in disease. Therefore, it has been classified as a Variant of Uncertain Significance.

NM_002972.4(SBF1):c.1031A>C (p.Glu344Ala)

Gene: SBF1 (SET binding factor 1; minus strand). Cytogenetic location: 22q13.33.
Variant type: single nucleotide variant.
Coding change: c.1031A>C on transcript NM_002972.4 (MANE Select); coding-DNA position 1031, A replaced by C.
Protein change: p.Glu344Ala; replaces glutamic acid 344 with alanine.
Molecular consequence: missense variant.
Genome position (GRCh38, 1-based): chr22:50,465,821, T>G on the plus strand (A>C on the coding strand, the complement: SBF1 is on the minus strand). VCF-style: chr22-50465821-T-G. GRCh37 (hg19) VCF-style: chr22-50904250-T-G.
Other names: c.1034A>C, p.Glu345Ala (NM_001365819.1); c.1031A>C (NM_002972.2); short protein forms E345A, E344A.
Identifiers: ClinVar variation 1387309 (VCV001387309.6), dbSNP rs368521040, ClinGen allele CA10317866.